The following is an entry in ClinVar:

NM_001083961.2(WDR62):c.3698C>G (p.Ser1233Cys)

Gene: WDR62 (WD repeat domain 62; plus strand). Cytogenetic location: 19q13.12.
Variant type: single nucleotide variant.
Coding change: c.3698C>G on transcript NM_001083961.2 (MANE Select); coding-DNA position 3698, C replaced by G.
Protein change: p.Ser1233Cys; replaces serine 1233 with cysteine.
Molecular consequence: missense variant.
Genome position (GRCh38, 1-based): chr19:36,103,526, C>G. VCF-style: chr19-36103526-C-G. GRCh37 (hg19) VCF-style: chr19-36594428-C-G.
Other names: c.3683C>G, p.Ser1228Cys (NM_173636.5); short protein forms S1233C, S1228C.
Identifiers: ClinVar variation 160296 (VCV000160296.12), dbSNP rs587784560, ClinGen allele CA272801.

ClinVar aggregate classification (germline): Uncertain significance. Review status: criteria provided, multiple submitters, no conflicts (2 of 4 stars). 3 submissions from 3 submitters: Uncertain significance (3). Last evaluated 2025-04-14.

Conditions:
Inborn genetic diseases. Identifiers: MedGen C0950123, MeSH D030342.
Microcephaly 2, primary, autosomal recessive, with or without cortical malformations. Also called: MICROCEPHALY 2, PRIMARY, AUTOSOMAL RECESSIVE, WITH CORTICAL MALFORMATIONS; WDR62 Primary Microcephaly. Identifiers: Orphanet 2512, MedGen C1858535, MONDO:0011435, OMIM 604317.

Allele frequency attached by ClinVar (database versions not stated): gnomAD exomes 0.00001 and 0.00002; TOPMed 0.00004; ExAC 0.00001.
gnomAD v4.1: 6 of 1,614,150 alleles (0.00037%); highest among the groups gnomAD compares: Admixed American, 0.01%; no homozygotes.

Submissions (3):

Ambry Genetics
Classification: Uncertain significance for Inborn genetic diseases. Last evaluated: 2025-04-14. Review status: criteria provided, single submitter. Criteria: Ambry Variant Classification Scheme 2023. Collection method: clinical testing. Allele origin: germline.

Labcorp Genetics (formerly Invitae), Labcorp
Classification: Uncertain significance. Last evaluated: 2022-06-27. Review status: criteria provided, single submitter. Criteria: Invitae Variant Classification Sherloc (09022015). Collection method: clinical testing. Allele origin: germline.
Comment: Algorithms developed to predict the effect of missense changes on protein structure and function are either unavailable or do not agree on the potential impact of this missense change (SIFT: "Deleterious"; PolyPhen-2: "Probably Damaging"; Align-GVGD: "Class C0"). In summary, the available evidence is currently insufficient to determine the role of this variant in disease. Therefore, it has been classified as a Variant of Uncertain Significance. ClinVar contains an entry for this variant (Variation ID: 160296). This variant has not been reported in the literature in individuals affected with WDR62-related conditions. This variant is present in population databases (rs587784560, gnomAD 0.01%). This sequence change replaces serine, which is neutral and polar, with cysteine, which is neutral and slightly polar, at codon 1233 of the WDR62 protein (p.Ser1233Cys).

Genetic Services Laboratory, University of Chicago
Classification: Uncertain significance for Microcephaly 2, primary, autosomal recessive, with or without cortical malformations. Last evaluated: 2013-02-08. Review status: criteria provided, single submitter. Criteria: ACMG Guidelines, 2007. Collection method: clinical testing. Allele origin: germline. Inheritance: Autosomal recessive inheritance.